The following is an entry in ClinVar:

ClinVar aggregate classification (germline): Uncertain significance. Review status: criteria provided, multiple submitters, no conflicts (2 of 4 stars). 2 submissions from 2 submitters: Uncertain significance (2). Last evaluated 2022-08-16.

Conditions:
Inborn genetic diseases. Identifiers: MedGen C0950123, MeSH D030342.
Periventricular nodular heterotopia 9. Identifiers: MedGen C5394503, MONDO:0030061, OMIM 618918.

Allele frequency attached by ClinVar (database versions not stated): gnomAD exomes below 0.00001; gnomAD 0.00001.
gnomAD v4.1: 8 of 1,613,984 alleles (0.0005%); highest among the groups gnomAD compares: Middle Eastern, 0.016%; no homozygotes.

Submissions (2):

Ambry Genetics
Classification: Uncertain significance for Inborn genetic diseases. Last evaluated: 2022-08-16. Review status: criteria provided, single submitter. Criteria: Ambry Variant Classification Scheme 2023. Collection method: clinical testing. Allele origin: germline.

Neuberg Centre For Genomic Medicine, NCGM
Classification: Uncertain significance for Periventricular nodular heterotopia 9. Review status: criteria provided, single submitter. Criteria: ACMG Guidelines, 2015. Collection method: clinical testing. Allele origin: germline. Inheritance: Autosomal dominant inheritance. Affected: yes.
Comment: The missense c.5830G>Ap.Glu1944Lys variant in MAP1B gene has not been reported previously as a pathogenic variant nor as a benign variant, to our knowledge. The p.Glu1944Lys variant is novel not in any individuals in gnomAD Exomes and 1000 Genomes database. This variant has not been reported to the ClinVar database. The amino acid change p.Glu1944Lys in MAP1B is predicted as conserved by GERP++ and PhyloP across 100 vertebrates. The amino acid Glu at position 1944 is changed to a Lys changing protein sequence and it might alter its composition and physico-chemical properties. For these reasons, this variant has been classified as Variant of Uncertain Significance VUS.

NM_005909.5(MAP1B):c.5830G>A (p.Glu1944Lys)

Gene: MAP1B (microtubule associated protein 1B; plus strand). Cytogenetic location: 5q13.2.
Variant type: single nucleotide variant.
Coding change: c.5830G>A on transcript NM_005909.5 (MANE Select); coding-DNA position 5830, G replaced by A.
Protein change: p.Glu1944Lys; replaces glutamic acid 1944 with lysine.
Molecular consequence: missense variant.
Genome position (GRCh38, 1-based): chr5:72,199,185, G>A. VCF-style: chr5-72199185-G-A. GRCh37 (hg19) VCF-style: chr5-71495012-G-A.
Other names: c.5452G>A, p.Glu1818Lys (NM_001324255.2); short protein forms E1818K, E1944K.
Identifiers: ClinVar variation 2222317 (VCV002222317.3), dbSNP rs889829204, ClinGen allele CA120033541.